The following is an entry in ClinVar:

NC_000012.11:g.(?_133201283)_(133241068_?)dup

Gene: POLE (DNA polymerase epsilon, catalytic subunit; minus strand). Cytogenetic location: 12q24.33.
Variant type: Duplication.
Identifiers: ClinVar variation 3244413 (VCV003244413.1).

ClinVar aggregate classification (germline): Uncertain significance (1 of 4 stars; one submission).

Submission:

Labcorp Genetics (formerly Invitae), Labcorp
Classification: Uncertain significance. Last evaluated: 2023-11-20. Review status: criteria provided, single submitter. Criteria: Invitae Variant Classification Sherloc (09022015). Collection method: clinical testing. Allele origin: unknown.
Comment: This variant results in a copy number gain of the genomic region encompassing exon(s) 22-49 of the POLE gene. This region includes the termination codon of the gene. This copy number gain extends beyond the assayed region for this gene and therefore may encompass additional genes. As the precise location of this event is unknown, it may be in tandem or it may be located elsewhere in the genome. This variant has not been reported in the literature in individuals affected with POLE-related conditions. In summary, the available evidence is currently insufficient to determine the role of this variant in disease. Therefore, it has been classified as a Variant of Uncertain Significance.